The following is an entry in ClinVar:

NM_001127208.3(TET2):c.5035T>C (p.Tyr1679His)

Genes: TET2 (tet methylcytosine dioxygenase 2; plus strand), TET2-AS1 (TET2 antisense RNA 1; minus strand). Cytogenetic location: 4q24.
Variant type: single nucleotide variant.
Coding change: c.5035T>C on transcript NM_001127208.3 (MANE Select); coding-DNA position 5035, T replaced by C.
Protein change: p.Tyr1679His; replaces tyrosine 1679 with histidine.
Molecular consequence: missense variant.
Genome position (GRCh38, 1-based): chr4:105,275,545, T>C. VCF-style: chr4-105275545-T-C. GRCh37 (hg19) VCF-style: chr4-106196702-T-C.
Other names: short protein forms Y1679H.
Identifiers: ClinVar variation 3618449 (VCV003618449.2).

ClinVar aggregate classification (germline): Uncertain significance (1 of 4 stars; one submission).

gnomAD v4.1: 4 of 1,551,736 alleles (0.00026%); highest among the groups gnomAD compares: African/African-American, 0.0027%; no homozygotes.

Submission:

Labcorp Genetics (formerly Invitae), Labcorp
Classification: Uncertain significance. Last evaluated: 2024-03-13. Review status: criteria provided, single submitter. Criteria: Invitae Variant Classification Sherloc (09022015). Collection method: clinical testing. Allele origin: germline.
Comment: This sequence change replaces tyrosine, which is neutral and polar, with histidine, which is basic and polar, at codon 1679 of the TET2 protein (p.Tyr1679His). This variant is not present in population databases (gnomAD no frequency). This variant has not been reported in the literature in individuals affected with TET2-related conditions. An algorithm developed to predict the effect of missense changes on protein structure and function (PolyPhen-2) suggests that this variant is likely to be disruptive. In summary, the available evidence is currently insufficient to determine the role of this variant in disease. Therefore, it has been classified as a Variant of Uncertain Significance.